The following is an entry in ClinVar:

NM_015634.4(KIFBP):c.1102G>A (p.Gly368Ser)

Gene: KIFBP (kinesin family binding protein; plus strand). Cytogenetic location: 10q22.1.
Variant type: single nucleotide variant.
Coding change: c.1102G>A on transcript NM_015634.4 (MANE Select); coding-DNA position 1102, G replaced by A.
Protein change: p.Gly368Ser; replaces glycine 368 with serine.
Molecular consequence: missense variant.
Genome position (GRCh38, 1-based): chr10:69,015,652, G>A. VCF-style: chr10-69015652-G-A. GRCh37 (hg19) VCF-style: chr10-70775408-G-A.
Other names: c.1102G>A (NM_015634.3); short protein forms G368S.
Identifiers: ClinVar variation 2715667 (VCV002715667.4), dbSNP rs200669180, ClinGen allele CA5529855.

ClinVar aggregate classification (germline): Uncertain significance. Review status: criteria provided, multiple submitters, no conflicts (2 of 4 stars). 3 submissions from 3 submitters: Uncertain significance (3). Last evaluated 2024-12-02.

Allele frequency attached by ClinVar (database versions not stated): ExAC 0.00008; TOPMed 0.00008; ESP Exome Variant Server 0.00008; gnomAD 0.00005; gnomAD exomes 0.00006; 1000 Genomes Project 0.00040; 1000 Genomes Project 30x 0.00047.
gnomAD v4.1: 98 of 1,614,168 alleles (0.0061%); highest among the groups gnomAD compares: Admixed American, 0.023%; no homozygotes.

Submissions (3):

Athena Diagnostics
Classification: Uncertain significance. Last evaluated: 2024-12-02. Review status: criteria provided, single submitter. Criteria: Athena Diagnostics Criteria. Collection method: clinical testing. Allele origin: unknown.
Comment: Available data are insufficient to determine the clinical significance of the variant at this time. The frequency of this variant in the general population is uninformative in assessment of its pathogenicity. Polyphen and MutationTaster predict this amino acid change may be benign.

Labcorp Genetics (formerly Invitae), Labcorp
Classification: Uncertain significance. Last evaluated: 2024-01-04. Review status: criteria provided, single submitter. Criteria: Invitae Variant Classification Sherloc (09022015). Collection method: clinical testing. Allele origin: germline.
Comment: This sequence change replaces glycine, which is neutral and non-polar, with serine, which is neutral and polar, at codon 368 of the KIF1BP protein (p.Gly368Ser). This variant is present in population databases (rs200669180, gnomAD 0.04%). This variant has not been reported in the literature in individuals affected with KIF1BP-related conditions. Algorithms developed to predict the effect of missense changes on protein structure and function output the following: SIFT: "Not Available"; PolyPhen-2: "Benign"; Align-GVGD: "Not Available". The serine amino acid residue is found in multiple mammalian species, which suggests that this missense change does not adversely affect protein function. In summary, the available evidence is currently insufficient to determine the role of this variant in disease. Therefore, it has been classified as a Variant of Uncertain Significance.

Ambry Genetics
Classification: Uncertain significance. Last evaluated: 2022-10-03. Review status: criteria provided, single submitter. Criteria: Ambry Variant Classification Scheme 2023. Collection method: clinical testing. Allele origin: germline.

Literature cited by the submitters: PubMed 35982159 (cited by Athena Diagnostics); PubMed 35982160 (cited by Athena Diagnostics).